The following is an entry in ClinVar:

ClinVar aggregate classification (germline): Conflicting classifications of pathogenicity. Review status: criteria provided, conflicting classifications (1 of 4 stars). 4 submissions from 4 submitters: Uncertain significance (2); Likely benign (2). Last evaluated 2025-11-17.

Conditions:
Short-rib thoracic dysplasia 6 with or without polydactyly (SRTD6). Also called: Majewski Syndrome; SHORT-RIB THORACIC DYSPLASIA 6 WITH POLYDACTYLY; SHORT-RIB THORACIC DYSPLASIA 6 WITHOUT POLYDACTYLY; SHORT RIB-POLYDACTYLY SYNDROME, TYPE IIA; POLYDACTYLY WITH NEONATAL CHONDRODYSTROPHY, TYPE II. Identifiers: MedGen C0024507, MONDO:0009894, OMIM 263520.

Allele frequency attached by ClinVar (database versions not stated): ExAC 0.00013; gnomAD exomes 0.00015; gnomAD 0.00017 and 0.00018; TOPMed 0.00042.
gnomAD v4.1: 153 of 1,612,412 alleles (0.0095%); highest among the groups gnomAD compares: South Asian, 0.1%; 1 homozygote.

Submissions (4):

Labcorp Genetics (formerly Invitae), Labcorp
Classification: Likely benign for Short-rib thoracic dysplasia 6 with or without polydactyly. Last evaluated: 2025-11-17. Review status: criteria provided, single submitter. Criteria: Invitae Variant Classification Sherloc (09022015). Collection method: clinical testing. Allele origin: germline.

Blueprint Genetics
Classification: Likely benign. Last evaluated: 2024-11-25. Review status: criteria provided, single submitter. Criteria: ACMG Guidelines, 2015. Collection method: clinical testing. Allele origin: germline.

GeneDx
Classification: Uncertain significance. Last evaluated: 2023-11-08. Review status: criteria provided, single submitter. Criteria: GeneDx Variant Classification Process June 2021. Collection method: clinical testing. Allele origin: germline. Affected: yes.
Comment: In silico analysis supports that this variant does not alter splicing; Has not been previously published as pathogenic or benign to our knowledge

ARUP Laboratories, Molecular Genetics and Genomics, ARUP Laboratories
Classification: Uncertain significance. Last evaluated: 2019-08-02. Review status: criteria provided, single submitter. Criteria: ARUP Molecular Germline Variant Investigation Process. Collection method: clinical testing. Allele origin: germline.
Comment: The NEK1 c.2805G>A; p.Ser935Ser variant (rs756830252), to our knowledge, is not reported in the medical literature but is reported in ClinVar (Variation ID: 453187). This variant is found in the South Asian population with an overall allele frequency of 0.10% (30/30088 alleles) in the Genome Aggregation Database. This is a synonymous variant in a weakly conserved nucleotide, and computational analyses (Alamut v.2.11) predict that this variant may impact splicing by creating a novel cryptic donor splice site, although RNA studies would be required to confirm an effect on splicing. Given the lack of clinical and functional data, the significance of the c.2805G>A variant is uncertain at this time.

NM_001199397.3(NEK1):c.2889G>A (p.Ser963=)

Gene: NEK1 (NIMA related kinase 1; minus strand). Cytogenetic location: 4q33.
Variant type: single nucleotide variant.
Coding change: c.2889G>A on transcript NM_001199397.3 (MANE Select); coding-DNA position 2889, G replaced by A.
Protein change: p.Ser963=; no amino-acid change (serine 963 retained).
Molecular consequence: synonymous variant. On other transcripts: non-coding transcript variant (1).
Genome position (GRCh38, 1-based): chr4:169,426,231, C>T on the plus strand (G>A on the coding strand, the complement: NEK1 is on the minus strand). VCF-style: chr4-169426231-C-T. GRCh37 (hg19) VCF-style: chr4-170347382-C-T.
Other names: c.2757G>A, p.Ser919= (NM_001199398.3); c.2598G>A, p.Ser866= (NM_001199399.3); c.2673G>A, p.Ser891= (NM_001199400.3); c.2889G>A, p.Ser963= (NM_001374418.1); c.2805G>A, p.Ser935= (NM_001374419.1, NM_012224.4); c.2754G>A, p.Ser918= (NM_001374420.1); c.2406G>A, p.Ser802= (NM_001374421.1).
Identifiers: ClinVar variation 453187 (VCV000453187.22), dbSNP rs756830252, ClinGen allele CA3137284.